The following is an entry in ClinVar:

ClinVar aggregate classification (germline): Uncertain significance (1 of 4 stars; one submission).

gnomAD v4.1: 1 of 1,613,922 alleles (0.000062%); highest among the groups gnomAD compares: Non-Finnish European, 0.000085%; no homozygotes.

Submission:

Labcorp Genetics (formerly Invitae), Labcorp
Classification: Uncertain significance. Last evaluated: 2025-01-12. Review status: criteria provided, single submitter. Criteria: Invitae Variant Classification Sherloc (09022015). Collection method: clinical testing. Allele origin: germline.
Comment: This sequence change replaces proline, which is neutral and non-polar, with serine, which is neutral and polar, at codon 292 of the FCHO1 protein (p.Pro292Ser). This variant is not present in population databases (gnomAD no frequency). This variant has not been reported in the literature in individuals affected with FCHO1-related conditions. An algorithm developed to predict the effect of missense changes on protein structure and function (PolyPhen-2) suggests that this variant is likely to be disruptive. In summary, the available evidence is currently insufficient to determine the role of this variant in disease. Therefore, it has been classified as a Variant of Uncertain Significance.

NM_015122.3(FCHO1):c.874C>T (p.Pro292Ser)

Gene: FCHO1 (FCH and mu domain containing endocytic adaptor 1; plus strand). Cytogenetic location: 19p13.11.
Variant type: single nucleotide variant.
Coding change: c.874C>T on transcript NM_015122.3 (MANE Select); coding-DNA position 874, C replaced by T.
Protein change: p.Pro292Ser; replaces proline 292 with serine.
Molecular consequence: missense variant. On other transcripts: non-coding transcript variant (36).
Genome position (GRCh38, 1-based): chr19:17,774,432, C>T. VCF-style: chr19-17774432-C-T. GRCh37 (hg19) VCF-style: chr19-17885241-C-T.
Other names: c.874C>T, p.Pro292Ser (NM_001161357.2, NM_001161358.2, NM_001384370.1 and 25 more transcripts); c.724C>T, p.Pro242Ser (NM_001161359.2, NM_001384384.1, NM_001384385.1 and 3 more transcripts); c.835C>T, p.Pro279Ser (NM_001384388.1, NM_001384389.1, NM_001384405.1); c.799C>T, p.Pro267Ser (NM_001384390.1); c.829C>T, p.Pro277Ser (NM_001384403.1); short protein forms P279S, P267S, P277S, P292S, P242S.
Identifiers: ClinVar variation 3728880 (VCV003728880.2).